The following is an entry in ClinVar:

ClinVar aggregate classification (germline): Benign/Likely benign. Review status: criteria provided, multiple submitters, no conflicts (2 of 4 stars). 3 submissions from 3 submitters: Benign (1); Likely benign (2). Last evaluated 2025-12-20.

Allele frequency attached by ClinVar (database versions not stated): ExAC 0.00006; gnomAD exomes 0.00008 and 0.00020; gnomAD 0.00009 and 0.00010; TOPMed 0.00010.
gnomAD v4.1: 224 of 1,208,030 alleles (0.019%); highest among the groups gnomAD compares: Non-Finnish European, 0.024%; no homozygotes.

Submissions (3):

Labcorp Genetics (formerly Invitae), Labcorp
Classification: Benign. Last evaluated: 2025-12-20. Review status: criteria provided, single submitter. Criteria: Invitae Variant Classification Sherloc (09022015). Collection method: clinical testing. Allele origin: germline.

Blueprint Genetics
Classification: Likely benign. Last evaluated: 2024-06-27. Review status: criteria provided, single submitter. Criteria: ACMG Guidelines, 2015. Collection method: clinical testing. Allele origin: germline.

CeGaT Center for Human Genetics Tuebingen
Classification: Likely benign. Last evaluated: 2022-12-01. Review status: criteria provided, single submitter. Criteria: CeGaT Center For Human Genetics Tuebingen Variant Classification Criteria Version 2. Collection method: clinical testing. Allele origin: germline. Affected: yes. Observed: 1 variant allele.
Comment: FRMD7: BP4, BP7, BS2

NM_194277.3(FRMD7):c.1527C>T (p.Ser509=)

Gene: FRMD7 (FERM domain containing 7; minus strand). Cytogenetic location: Xq26.2.
Variant type: single nucleotide variant.
Coding change: c.1527C>T on transcript NM_194277.3 (MANE Select); coding-DNA position 1527, C replaced by T.
Protein change: p.Ser509=; no amino-acid change (serine 509 retained).
Molecular consequence: synonymous variant.
Genome position (GRCh38, 1-based): chrX:132,078,490, G>A on the plus strand (C>T on the coding strand, the complement: FRMD7 is on the minus strand). VCF-style: chrX-132078490-G-A. GRCh37 (hg19) VCF-style: chrX-131212518-G-A.
Other names: c.1482C>T, p.Ser494= (NM_001306193.2).
Identifiers: ClinVar variation 1554185 (VCV001554185.32), dbSNP rs754076102, ClinGen allele CA10518850.